The following is an entry in ClinVar:

NM_004415.4(DSP):c.1492C>T (p.Pro498Ser)

Gene: DSP (desmoplakin; plus strand). Cytogenetic location: 6p24.3.
Variant type: single nucleotide variant.
Coding change: c.1492C>T on transcript NM_004415.4 (MANE Select); coding-DNA position 1492, C replaced by T.
Protein change: p.Pro498Ser; replaces proline 498 with serine.
Molecular consequence: missense variant.
Genome position (GRCh38, 1-based): chr6:7,569,258, C>T. VCF-style: chr6-7569258-C-T. GRCh37 (hg19) VCF-style: chr6-7569491-C-T.
Other names: c.1492C>T, p.Pro498Ser (NM_001008844.3, NM_001319034.2); short protein forms P498S.
Identifiers: ClinVar variation 1053482 (VCV001053482.13), dbSNP rs1581803474, ClinGen allele CA362677611.

ClinVar aggregate classification (germline): Uncertain significance. Review status: criteria provided, multiple submitters, no conflicts (2 of 4 stars). 2 submissions from 2 submitters: Uncertain significance (2). Last evaluated 2024-10-22.

Conditions:
Arrhythmogenic cardiomyopathy with wooly hair and keratoderma. Also called: Dilated cardiomyopathy with woolly hair and keratoderma; Arrhythmogenic cardiomyopathy with woolly hair and keratoderma; PALMOPLANTAR KERATODERMA WITH LEFT VENTRICULAR CARDIOMYOPATHY AND WOOLLY HAIR; Carvajal syndrome. Identifiers: Orphanet 65282, MedGen C1854063, MONDO:0011581, OMIM 605676.
Arrhythmogenic right ventricular dysplasia 8 (ARVD8). Also called: Arrhythmogenic Right Ventricular Dysplasia/Cardiomyopathy 8; ARRHYTHMOGENIC RIGHT VENTRICULAR DYSPLASIA, FAMILIAL, 8; ARRHYTHMOGENIC RIGHT VENTRICULAR CARDIOMYOPATHY 8. Identifiers: MedGen C1843896, MONDO:0011831, OMIM 607450.

Allele frequency attached by ClinVar (database versions not stated): TOPMed below 0.00001.

Submissions (2):

Labcorp Genetics (formerly Invitae), Labcorp
Classification: Uncertain significance for Arrhythmogenic cardiomyopathy with wooly hair and keratoderma; Arrhythmogenic right ventricular dysplasia 8. Last evaluated: 2024-10-22. Review status: criteria provided, single submitter. Criteria: Invitae Variant Classification Sherloc (09022015). Collection method: clinical testing. Allele origin: germline.
Comment: This sequence change replaces proline, which is neutral and non-polar, with serine, which is neutral and polar, at codon 498 of the DSP protein (p.Pro498Ser). This variant is not present in population databases (gnomAD no frequency). This variant has not been reported in the literature in individuals affected with DSP-related conditions. ClinVar contains an entry for this variant (Variation ID: 1053482). An algorithm developed to predict the effect of missense changes on protein structure and function (PolyPhen-2) suggests that this variant is likely to be disruptive. In summary, the available evidence is currently insufficient to determine the role of this variant in disease. Therefore, it has been classified as a Variant of Uncertain Significance.

All of Us Research Program, National Institutes of Health
Classification: Uncertain significance for Arrhythmogenic cardiomyopathy with wooly hair and keratoderma. Last evaluated: 2023-11-02. Review status: criteria provided, single submitter. Criteria: ACMG Guidelines, 2015. Collection method: clinical testing. Allele origin: germline. Inheritance: Autosomal dominant inheritance. Observed: 1 variant allele, 1 heterozygote.
Comment: This missense variant replaces proline with serine at codon 498 of the DSP protein. Computational prediction suggests that this variant may not impact protein structure and function (internally defined REVEL score threshold <= 0.5, PMID: 27666373). To our knowledge, functional studies have not been reported for this variant. This variant has not been reported in individuals affected with DSP-related disorders in the literature. This variant has not been identified in the general population by the Genome Aggregation Database (gnomAD). The available evidence is insufficient to determine the role of this variant in disease conclusively. Therefore, this variant is classified as a Variant of Uncertain Significance.

This study involves interpretation of variants in research participants for the purpose of population health screening. Participant phenotype was not available at the time of variant classification. Additional details can be found in publication PMID: 35346344, PMCID: PMC8962531